The following is an entry in ClinVar:

ClinVar aggregate classification (germline): Uncertain significance (1 of 4 stars; one submission).

Conditions:
Hereditary cancer-predisposing syndrome. Also called: Tumor predisposition; Hereditary neoplastic syndrome; Hereditary Cancer Syndrome; Neoplastic Syndromes, Hereditary. Identifiers: Orphanet 140162, MedGen C0027672, MeSH D009386, MONDO:0015356.

Submission:

Ambry Genetics
Classification: Uncertain significance for Hereditary cancer-predisposing syndrome. Last evaluated: 2023-11-21. Review status: criteria provided, single submitter. Criteria: Ambry Variant Classification Scheme 2023. Collection method: clinical testing. Allele origin: germline.
Comment: The p.D161N variant (also known as c.481G>A), located in coding exon 2 of the BLM gene, results from a G to A substitution at nucleotide position 481. The aspartic acid at codon 161 is replaced by asparagine, an amino acid with highly similar properties. This amino acid position is conserved. In addition, this alteration is predicted to be tolerated by in silico analysis. Since supporting evidence is limited at this time, the clinical significance of this alteration remains unclear.

NM_000057.4(BLM):c.481G>A (p.Asp161Asn)

Gene: BLM (BLM RecQ like helicase; plus strand). Cytogenetic location: 15q26.1.
Variant type: single nucleotide variant.
Coding change: c.481G>A on transcript NM_000057.4 (MANE Select); coding-DNA position 481, G replaced by A.
Protein change: p.Asp161Asn; replaces aspartic acid 161 with asparagine.
Molecular consequence: missense variant. On other transcripts: 5 prime UTR variant (1).
Genome position (GRCh38, 1-based): chr15:90,749,749, G>A. VCF-style: chr15-90749749-G-A. GRCh37 (hg19) VCF-style: chr15-91292979-G-A.
Other names: c.481G>A, p.Asp161Asn (NM_001287246.2, NM_001287247.2); c.-811G>A (NM_001287248.2); short protein forms D161N.
Identifiers: ClinVar variation 3224819 (VCV003224819.1), dbSNP rs2505392757, ClinGen allele CA393840883.